The following is an entry in ClinVar:

NM_019842.4(KCNQ5):c.617-17C>A

Gene: KCNQ5 (potassium voltage-gated channel subfamily Q member 5; plus strand). Cytogenetic location: 6q13.
Variant type: single nucleotide variant.
Coding change: c.617-17C>A on transcript NM_019842.4 (MANE Select); 17 bases into the intron before coding-DNA position 617, C replaced by A.
Molecular consequence: intron variant.
Genome position (GRCh38, 1-based): chr6:73,077,305, C>A. VCF-style: chr6-73077305-C-A. GRCh37 (hg19) VCF-style: chr6-73787028-C-A.
Other names: c.617-17C>A (NM_001160133.2, NM_001160134.2, NM_001160132.2 and 1 more transcripts).
Identifiers: ClinVar variation 4725216 (VCV004725216.1).

ClinVar aggregate classification (germline): Uncertain significance (1 of 4 stars; one submission).

Submission:

Labcorp Genetics (formerly Invitae), Labcorp
Classification: Uncertain significance. Last evaluated: 2025-08-15. Review status: criteria provided, single submitter. Criteria: Invitae Variant Classification Sherloc (09022015). Collection method: clinical testing. Allele origin: germline.
Comment: This sequence change falls in intron 3 of the KCNQ5 gene. It does not directly change the encoded amino acid sequence of the KCNQ5 protein. This variant is not present in population databases (gnomAD no frequency). This variant has not been reported in the literature in individuals affected with KCNQ5-related conditions. Algorithms developed to predict the effect of sequence changes on RNA splicing suggest that this variant may disrupt the consensus splice site. In summary, the available evidence is currently insufficient to determine the role of this variant in disease. Therefore, it has been classified as a Variant of Uncertain Significance.